The following is an entry in ClinVar:

ClinVar aggregate classification (germline): Uncertain significance (1 of 4 stars; one submission).

Conditions:
Cohen syndrome (COH1). Also called: PEPPER SYNDROME; Cutis verticis gyrata, retinitis pigmentosa, and sensorineural deafness. Identifiers: Orphanet 193, MedGen C0265223, MONDO:0008999, OMIM 216550.

Submission:

Labcorp Genetics (formerly Invitae), Labcorp
Classification: Uncertain significance for Cohen syndrome. Last evaluated: 2024-02-24. Review status: criteria provided, single submitter. Criteria: Invitae Variant Classification Sherloc (09022015). Collection method: clinical testing. Allele origin: germline.
Comment: This sequence change replaces threonine, which is neutral and polar, with asparagine, which is neutral and polar, at codon 112 of the VPS13B protein (p.Thr112Asn). This variant is not present in population databases (gnomAD no frequency). This variant has not been reported in the literature in individuals affected with VPS13B-related conditions. ClinVar contains an entry for this variant (Variation ID: 1474919). Advanced modeling of protein sequence and biophysical properties (such as structural, functional, and spatial information, amino acid conservation, physicochemical variation, residue mobility, and thermodynamic stability) performed at Invitae indicates that this missense variant is not expected to disrupt VPS13B protein function with a negative predictive value of 80%. In summary, the available evidence is currently insufficient to determine the role of this variant in disease. Therefore, it has been classified as a Variant of Uncertain Significance.

NM_152564.5(VPS13B):c.335C>A (p.Thr112Asn)

Gene: VPS13B (vacuolar protein sorting 13 homolog B; plus strand). Cytogenetic location: 8q22.2.
Variant type: single nucleotide variant.
Coding change: c.335C>A on transcript NM_152564.5 (MANE Select); coding-DNA position 335, C replaced by A.
Protein change: p.Thr112Asn; replaces threonine 112 with asparagine.
Molecular consequence: missense variant. On other transcripts: non-coding transcript variant (1).
Genome position (GRCh38, 1-based): chr8:99,096,355, C>A. VCF-style: chr8-99096355-C-A. GRCh37 (hg19) VCF-style: chr8-100108583-C-A.
Other names: c.335C>A, p.Thr112Asn (NM_015243.3, NM_017890.5, NM_181661.3); short protein forms T112N.
Identifiers: ClinVar variation 1474919 (VCV001474919.6), dbSNP rs1184653913, ClinGen allele CA371858097.